The following is an entry in ClinVar:

ClinVar aggregate classification (germline): Pathogenic (1 of 4 stars; one submission).

Conditions:
3-methylglutaconic aciduria, type VIIB (MGCA7B). Also called: 3-methylglutaconic aciduria with cataracts, neurologic involvement and neutropenia; CLPB Deficiency; 3-methylglutaconic aciduria, type VII, with cataracts, neurologic involvement and neutropenia. Identifiers: Orphanet 445038, MedGen C5676893, MONDO:0014561, OMIM 616271.

Allele frequency attached by ClinVar (database versions not stated): ExAC 0.00002.

Submission:

Labcorp Genetics (formerly Invitae), Labcorp
Classification: Pathogenic for 3-methylglutaconic aciduria, type VIIB. Last evaluated: 2025-02-26. Review status: criteria provided, single submitter. Criteria: Invitae Variant Classification Sherloc (09022015). Collection method: clinical testing. Allele origin: germline.
Comment: This sequence change creates a premature translational stop signal (p.Tyr369*) in the CLPB gene. It is expected to result in an absent or disrupted protein product. Loss-of-function variants in CLPB are known to be pathogenic (PMID: 25597510, 28687938). This variant is present in population databases (rs772512727, gnomAD 0.006%). This variant has not been reported in the literature in individuals affected with CLPB-related conditions. ClinVar contains an entry for this variant (Variation ID: 2151624). Algorithms developed to predict the effect of sequence changes on RNA splicing suggest that this variant may disrupt the consensus splice site. For these reasons, this variant has been classified as Pathogenic.

Literature cited by the submitters: PubMed 25597510; PubMed 28687938.

NM_001258392.3(CLPB):c.1017C>G (p.Tyr339Ter)

Gene: CLPB (ClpB family mitochondrial disaggregase; minus strand). Cytogenetic location: 11q13.4.
Variant type: single nucleotide variant.
Coding change: c.1017C>G on transcript NM_001258392.3 (MANE Select); coding-DNA position 1017, C replaced by G.
Protein change: p.Tyr339Ter; replaces tyrosine 339 with a stop codon.
Molecular consequence: nonsense.
Genome position (GRCh38, 1-based): chr11:72,308,576, G>C on the plus strand (C>G on the coding strand, the complement: CLPB is on the minus strand). VCF-style: chr11-72308576-G-C. GRCh37 (hg19) VCF-style: chr11-72019620-G-C.
Other names: c.930C>G, p.Tyr310Ter (NM_001258393.3); c.972C>G, p.Tyr324Ter (NM_001258394.3); c.1107C>G, p.Tyr369Ter (NM_030813.6); short protein forms Y310*, Y324*, Y369*, Y339*.
Identifiers: ClinVar variation 2151624 (VCV002151624.4), dbSNP rs772512727, ClinGen allele CA6171293.